The following is an entry in ClinVar:

NM_032436.4(CHAMP1):c.778T>C (p.Ser260Pro)

Gene: CHAMP1 (chromosome alignment maintaining phosphoprotein 1; plus strand). Cytogenetic location: 13q34.
Variant type: single nucleotide variant.
Coding change: c.778T>C on transcript NM_032436.4 (MANE Select); coding-DNA position 778, T replaced by C.
Protein change: p.Ser260Pro; replaces serine 260 with proline.
Molecular consequence: missense variant.
Genome position (GRCh38, 1-based): chr13:114,324,620, T>C. VCF-style: chr13-114324620-T-C. GRCh37 (hg19) VCF-style: chr13-115090095-T-C.
Other names: c.778T>C, p.Ser260Pro (NM_001164144.3, NM_001164145.3); short protein forms S260P.
Identifiers: ClinVar variation 4988429 (VCV004988429.1).

ClinVar aggregate classification (germline): Uncertain significance (1 of 4 stars; one submission).

Conditions:
CHAMP1-related disorder. Also called: CHAMP1-related condition.

gnomAD v4.1: 3 of 1,613,732 alleles (0.00019%); highest among the groups gnomAD compares: Admixed American, 0.0017%; no homozygotes.

Submission:

PreventionGenetics, part of Exact Sciences
Classification: Uncertain significance for CHAMP1-related condition. Last evaluated: 2026-03-11. Review status: criteria provided, single submitter. Criteria: ACMG Guidelines, 2015. Collection method: clinical testing. Allele origin: germline.
Comment: The CHAMP1 c.778T>C variant is predicted to result in the amino acid substitution p.Ser260Pro. To our knowledge, this variant has not been reported in the literature or in a large population database (gnomAD), indicating this variant is rare. At this time, the clinical significance of this variant is uncertain due to the absence of conclusive functional and genetic evidence.